The following is an entry in ClinVar:

ClinVar aggregate classification (germline): Uncertain significance (1 of 4 stars; one submission).

Submission:

Labcorp Genetics (formerly Invitae), Labcorp
Classification: Uncertain significance. Last evaluated: 2025-02-13. Review status: criteria provided, single submitter. Criteria: Invitae Variant Classification Sherloc (09022015). Collection method: clinical testing. Allele origin: germline.
Comment: This sequence change replaces phenylalanine, which is neutral and non-polar, with serine, which is neutral and polar, at codon 134 of the RNF113A protein (p.Phe134Ser). This variant is not present in population databases (gnomAD no frequency). This variant has not been reported in the literature in individuals affected with RNF113A-related conditions. ClinVar contains an entry for this variant (Variation ID: 1932515). Invitae Evidence Modeling of protein sequence and biophysical properties (such as structural, functional, and spatial information, amino acid conservation, physicochemical variation, residue mobility, and thermodynamic stability) indicates that this missense variant is not expected to disrupt RNF113A protein function with a negative predictive value of 80%. In summary, the available evidence is currently insufficient to determine the role of this variant in disease. Therefore, it has been classified as a Variant of Uncertain Significance.

NM_006978.3(RNF113A):c.401T>C (p.Phe134Ser)

Gene: RNF113A (ring finger protein 113A; minus strand). Cytogenetic location: Xq24.
Variant type: single nucleotide variant.
Coding change: c.401T>C on transcript NM_006978.3 (MANE Select); coding-DNA position 401, T replaced by C.
Protein change: p.Phe134Ser; replaces phenylalanine 134 with serine.
Molecular consequence: missense variant.
Genome position (GRCh38, 1-based): chrX:119,871,213, A>G on the plus strand (T>C on the coding strand, the complement: RNF113A is on the minus strand). VCF-style: chrX-119871213-A-G. GRCh37 (hg19) VCF-style: chrX-119005176-A-G.
Other names: short protein forms F134S.
Identifiers: ClinVar variation 1932515 (VCV001932515.5), dbSNP rs2147812504, ClinGen allele CA414188406.
Genomic context (GRCh38, chrX:119,871,213, plus strand): 5'-CGATAGATCTTGTCATCCTCCTTGCCCCTCAGCTCCTCCTGGATCTTCTGGCTGCGCTCA[A>G]AGATGGCTTGTGCATCGCGCTCTTTCTCTGTGTCCAGCTCATAGACAGCTGTCGCTCCCA-3'
Protein context (NP_008909.1, residues 124-144): TEKERDAQAI[Phe134Ser]ERSQKIQEEL